The following is an entry in ClinVar:

ClinVar aggregate classification (germline): Uncertain significance (1 of 4 stars; one submission).

Conditions:
Immunodeficiency 51 (IMD51). Also called: CANDIDIASIS, FAMILIAL, 5. Identifiers: Orphanet 1334, MedGen C4310803, MONDO:0013500, OMIM 613953.

Submission:

Labcorp Genetics (formerly Invitae), Labcorp
Classification: Uncertain significance for Immunodeficiency 51. Last evaluated: 2018-08-24. Review status: criteria provided, single submitter. Criteria: Invitae Variant Classification Sherloc (09022015). Collection method: clinical testing. Allele origin: germline.
Comment: This sequence change results in a premature translational stop signal in the IL17RA gene (p.Pro622Serfs*10). While this is not anticipated to result in nonsense mediated decay, it is expected to disrupt the last 245 amino acids of the IL17RA protein. The frequency data for this variant in the population databases is considered unreliable, as metrics indicate insufficient coverage at this position in the ExAC database. This variant has not been reported in the literature in individuals with IL17RA-related disease. In summary, the available evidence is currently insufficient to determine the role of this variant in disease. Therefore, it has been classified as a Variant of Uncertain Significance.

NM_014339.7(IL17RA):c.1864_1876del (p.Pro622fs)

Gene: IL17RA (interleukin 17 receptor A; plus strand). Cytogenetic location: 22q11.1.
Variant type: Deletion.
Coding change: c.1864_1876del on transcript NM_014339.7 (MANE Select); coding-DNA positions 1864 to 1876, 13 bases deleted (CCCCTGGTGCGCG).
Protein change: p.Pro622fs; shifts the reading frame from proline 622.
Molecular consequence: frameshift variant.
Genome position (GRCh38, 1-based): chr22:17,109,083-17,109,095, CCCCTGGTGCGCG deleted; deleting any 13 consecutive bases within chr22:17,109,080-17,109,095 gives the same sequence; the c. name uses the placement nearest the transcript's 3' end. VCF-style (leftmost placement, unchanged base first): chr22-17109079-GGCGCCCCTGGTGC-G. GRCh37 (hg19) VCF-style: chr22-17589969-GGCGCCCCTGGTGC-G.
Other names: c.1762_1774del, p.Pro588fs (NM_001289905.2); c.1864_1876delCCCCTGGTGCGCG (NM_014339.6); short protein forms P622fs, P588fs.
Identifiers: ClinVar variation 654215 (VCV000654215.1), dbSNP rs1601350285, ClinGen allele CA915953012.
Genomic context (GRCh38, chr22:17,109,079, plus strand): 5'-CCTGGACGAAGAGGTGTTTGAGGAGCCACTGCTGCCTCCGGGAACCGGCATCGTGAAGCG[GGCGCCCCTGGTGC>G]GCGAGCCTGGCTCCCAGGCCTGCCTGGCCATAGACCCGCTGGTCGGGGAGGAAGGAGGAG-3'